The following is an entry in ClinVar:

NM_000443.4(ABCB4):c.3258C>A (p.Tyr1086Ter)

Gene: ABCB4 (ATP binding cassette subfamily B member 4; minus strand). Cytogenetic location: 7q21.12.
Variant type: single nucleotide variant.
Coding change: c.3258C>A on transcript NM_000443.4 (MANE Select); coding-DNA position 3258, C replaced by A.
Protein change: p.Tyr1086Ter; replaces tyrosine 1086 with a stop codon.
Molecular consequence: nonsense.
Genome position (GRCh38, 1-based): chr7:87,408,058, G>T on the plus strand (C>A on the coding strand, the complement: ABCB4 is on the minus strand). VCF-style: chr7-87408058-G-T. GRCh37 (hg19) VCF-style: chr7-87037374-G-T.
Other names: c.3258C>A, p.Tyr1086Ter (NM_018849.3); c.3117C>A, p.Tyr1039Ter (NM_018850.3); short protein forms Y1039*, Y1086*.
Identifiers: ClinVar variation 4846676 (VCV004846676.1).

ClinVar aggregate classification (germline): Pathogenic (1 of 4 stars; one submission).

Conditions:
Low phospholipid associated cholelithiasis (GBD1). Also called: Gallbladder disease 1; Gallstone cholecystitis. Identifiers: Orphanet 69663, MedGen C2609268, MONDO:0010939, OMIM 600803.

Submission:

Genomenon, Inc
Classification: Pathogenic for Low phospholipid associated cholelithiasis. Last evaluated: 2026-04-14. Review status: criteria provided, single submitter. Criteria: Genomenon Sequence Variant Interpretation Standards - Updated. Collection method: curation. Allele origin: germline. Affected: yes.
Comment: ABCB4 p.Tyr1086Ter (c.3258C>A) is a nonsense variant that introduces a premature stop codon at amino acid position 1086, creating a truncated protein that is predicted to undergo nonsense-mediated mRNA decay. This variant has been observed in at least one proband with an ABCB4-related disorder (PMID:20537830). It is absent or not present at a significant frequency in gnomAD. In conclusion, we classify ABCB4 p.Tyr1086Ter (c.3258C>A) as a pathogenic variant.

Literature cited by the submitters: PubMed 20537830.